The following is an entry in ClinVar:

NM_015295.3(SMCHD1):c.5377C>T (p.His1793Tyr)

Gene: SMCHD1 (structural maintenance of chromosomes flexible hinge domain containing 1; plus strand). Cytogenetic location: 18p11.32.
Variant type: single nucleotide variant.
Coding change: c.5377C>T on transcript NM_015295.3 (MANE Select); coding-DNA position 5377, C replaced by T.
Protein change: p.His1793Tyr; replaces histidine 1793 with tyrosine.
Molecular consequence: missense variant.
Genome position (GRCh38, 1-based): chr18:2,777,816, C>T. VCF-style: chr18-2777816-C-T. GRCh37 (hg19) VCF-style: chr18-2777814-C-T.
Other names: short protein forms H1793Y.
Identifiers: ClinVar variation 2762063 (VCV002762063.3), dbSNP rs2510159384, ClinGen allele CA401686212.

ClinVar aggregate classification (germline): Uncertain significance (1 of 4 stars; one submission).

Conditions:
Facioscapulohumeral muscular dystrophy 2 (FSHD2). Also called: MUSCULAR DYSTROPHY, FACIOSCAPULOHUMERAL, TYPE 1B; FACIOSCAPULOHUMERAL MUSCULAR DYSTROPHY 2, DIGENIC; FSHD2, DIGENIC. Identifiers: Orphanet 269, MedGen C1834671, MONDO:0008031, OMIM 158901.

Submission:

Labcorp Genetics (formerly Invitae), Labcorp
Classification: Uncertain significance for Facioscapulohumeral muscular dystrophy 2. Last evaluated: 2023-09-20. Review status: criteria provided, single submitter. Criteria: Invitae Variant Classification Sherloc (09022015). Collection method: clinical testing. Allele origin: germline.
Comment: This variant is not present in population databases (gnomAD no frequency). This variant has not been reported in the literature in individuals affected with SMCHD1-related conditions. Advanced modeling of protein sequence and biophysical properties (such as structural, functional, and spatial information, amino acid conservation, physicochemical variation, residue mobility, and thermodynamic stability) performed at Invitae indicates that this missense variant is expected to disrupt SMCHD1 protein function. In summary, the available evidence is currently insufficient to determine the role of this variant in disease. Therefore, it has been classified as a Variant of Uncertain Significance. This sequence change replaces histidine, which is basic and polar, with tyrosine, which is neutral and polar, at codon 1793 of the SMCHD1 protein (p.His1793Tyr).